The following is an entry in ClinVar:

ClinVar aggregate classification (germline): Conflicting classifications of pathogenicity. Review status: criteria provided, conflicting classifications (1 of 4 stars). 3 submissions from 3 submitters: Uncertain significance (2); Likely benign (1). Last evaluated 2025-01-01.

Allele frequency attached by ClinVar (database versions not stated): 1000 Genomes Project 30x 0.00125; TOPMed 0.00141; gnomAD 0.00153 and 0.00154; ExAC 0.00170; 1000 Genomes Project 0.00200.

Submissions (4):

CeGaT Center for Human Genetics Tuebingen
Classification: Likely benign. Last evaluated: 2025-01-01. Review status: criteria provided, single submitter. Criteria: CeGaT Center For Human Genetics Tuebingen Variant Classification Criteria Version 2. Collection method: clinical testing. Allele origin: germline. Affected: yes. Observed: 1 variant allele.
Comment: SMPD4: BP4

AiLife Diagnostics
Classification: Uncertain significance. Last evaluated: 2020-06-05. Review status: criteria provided, single submitter. Criteria: ACMG Guidelines, 2015. Collection method: clinical testing. Allele origin: germline. Affected: yes. Observed: 1 variant allele.

Breakthrough Genomics
Classification: Uncertain significance. Review status: criteria provided, single submitter. Criteria: ACMG Guidelines, 2015. Collection method: not provided. Allele origin: germline. Inheritance: Autosomal recessive inheritance. Affected: yes.

Dr. Peter K. Rogan Lab, Western University
No classification provided (evidence only). Condition: Malignant lymphoma, large B-cell, diffuse. Review status: no classification provided. Collection method: in vitro. Allele origin: not applicable. Functional consequence: retained intron. Not counted in ClinVar's aggregate classification.

Literature cited by the submitters: PubMed 31495489 (cited by AiLife Diagnostics).

NM_017951.5(SMPD4):c.270-8G>A

Gene: SMPD4 (sphingomyelin phosphodiesterase 4; minus strand). Cytogenetic location: 2q21.1.
Variant type: single nucleotide variant.
Coding change: c.270-8G>A on transcript NM_017951.5 (MANE Select); 8 bases into the intron before coding-DNA position 270, G replaced by A.
Molecular consequence: intron variant.
Genome position (GRCh38, 1-based): chr2:130,173,362, C>T on the plus strand (G>A on the coding strand, the complement: SMPD4 is on the minus strand). VCF-style: chr2-130173362-C-T. GRCh37 (hg19) VCF-style: chr2-130930935-C-T.
Other names: NC_000002.11:g.130930935C>T; c.244-467G>A (NM_001171083.2); c.387-8G>A (NM_017751.4).
Identifiers: ClinVar variation 1678248 (VCV001678248.16), dbSNP rs2443637, ClinGen allele CA1870266.